The following is an entry in ClinVar:

ClinVar aggregate classification (germline): Likely benign. Review status: criteria provided, single submitter (1 of 4 stars). 2 submissions from 2 submitters: Likely benign (1). 1 of the submissions does not count toward it. Last evaluated 2025-12-23.

Conditions:
Mitochondrial trifunctional protein deficiency. Identifiers: Orphanet 746, MedGen C1969443, MONDO:0012172.
Long chain 3-hydroxyacyl-CoA dehydrogenase deficiency. Also called: Deficiency of long-chain 3-hydroxyacyl-coenzyme A dehydrogenase; LCHAD Deficiency. Identifiers: Orphanet 5, MedGen C3711645, MONDO:0012173, OMIM 609016.
HADHA-related disorder. Also called: HADHA-related condition; HADHA-related disorders.

Allele frequency attached by ClinVar (database versions not stated): gnomAD exomes 0.00001 and 0.00002; ExAC 0.00002; gnomAD 0.00004 and 0.00005; TOPMed 0.00004.
gnomAD v4.1: 17 of 1,614,060 alleles (0.0011%); highest among the groups gnomAD compares: African/African-American, 0.0093%; no homozygotes.

Submissions (2):

Labcorp Genetics (formerly Invitae), Labcorp
Classification: Likely benign for Mitochondrial trifunctional protein deficiency; Long chain 3-hydroxyacyl-CoA dehydrogenase deficiency. Last evaluated: 2025-12-23. Review status: criteria provided, single submitter. Criteria: Invitae Variant Classification Sherloc (09022015). Collection method: clinical testing. Allele origin: germline.

PreventionGenetics, part of Exact Sciences
Classification: Likely benign for HADHA-related condition. Last evaluated: 2024-09-17. Review status: no assertion criteria provided. Collection method: clinical testing. Allele origin: germline. Not counted in ClinVar's aggregate classification.
Comment: This variant is classified as likely benign based on ACMG/AMP sequence variant interpretation guidelines (Richards et al. 2015 PMID: 25741868, with internal and published modifications).

NM_000182.5(HADHA):c.2106C>T (p.Ile702=)

Genes: GAREM2 (GRB2 associated regulator of MAPK1 subtype 2; plus strand), HADHA (hydroxyacyl-CoA dehydrogenase trifunctional multienzyme complex subunit alpha; minus strand). Cytogenetic location: 2p23.3.
Variant type: single nucleotide variant.
Coding change: c.2106C>T on transcript NM_000182.5 (MANE Select); coding-DNA position 2106, C replaced by T.
Protein change: p.Ile702=; no amino-acid change (isoleucine 702 retained).
Molecular consequence: synonymous variant.
Genome position (GRCh38, 1-based): chr2:26,191,523, G>A on the plus strand (C>T on the coding strand, the complement: HADHA is on the minus strand). VCF-style: chr2-26191523-G-A. GRCh37 (hg19) VCF-style: chr2-26414392-G-A.
Identifiers: ClinVar variation 1603102 (VCV001603102.9), dbSNP rs267599302, ClinGen allele CA1559375.